The following is an entry in ClinVar:

NM_001199397.3(NEK1):c.3422T>C (p.Met1141Thr)

Gene: NEK1 (NIMA related kinase 1; minus strand). Cytogenetic location: 4q33.
Variant type: single nucleotide variant.
Coding change: c.3422T>C on transcript NM_001199397.3 (MANE Select); coding-DNA position 3422, T replaced by C.
Protein change: p.Met1141Thr; replaces methionine 1141 with threonine.
Molecular consequence: missense variant. On other transcripts: non-coding transcript variant (1).
Genome position (GRCh38, 1-based): chr4:169,401,813, A>G on the plus strand (T>C on the coding strand, the complement: NEK1 is on the minus strand). VCF-style: chr4-169401813-A-G. GRCh37 (hg19) VCF-style: chr4-170322964-A-G.
Other names: c.3290T>C, p.Met1097Thr (NM_001199398.3); c.3131T>C, p.Met1044Thr (NM_001199399.3); c.3206T>C, p.Met1069Thr (NM_001199400.3); c.3422T>C, p.Met1141Thr (NM_001374418.1); c.3338T>C, p.Met1113Thr (NM_001374419.1, NM_012224.4); c.3287T>C, p.Met1096Thr (NM_001374420.1); c.2939T>C, p.Met980Thr (NM_001374421.1); short protein forms M1113T, M1141T, M1097T, M1044T, M1069T, M1096T, M980T.
Identifiers: ClinVar variation 618245 (VCV000618245.8), dbSNP rs906114639, ClinGen allele CA358800641.

ClinVar aggregate classification (germline): Uncertain significance (1 of 4 stars; one submission).

Submission:

ARUP Laboratories, Molecular Genetics and Genomics, ARUP Laboratories
Classification: Uncertain significance. Last evaluated: 2017-05-05. Review status: criteria provided, single submitter. Criteria: ARUP Molecular Germline Variant Investigation Process. Collection method: clinical testing. Allele origin: germline.
Comment: The p.Met1113Thr variant has not been reported in the scientific literature or gene specific variant databases including ClinVar. This variant is not listed in the general population databases such Genome Aggregation Consortium browser. Methionine 1113 is highly conserved considering 10 species (Alamut software version 2.9.0) and computational prediction programs support an impact of this variant on the protein (SIFT: damaging, PolyPhe-2: possibly damaging; MutationTaster: disease causing). Based on the available information, the clinical significance of this variant cannot be determined with certainty. Pathogenic NEK1 variants are associated with autosomal recessive short-rib thoracic dysplasia 6 with or without polydactyly (MIM:263520). Digenic form of this disorder can be caused by heterozygous variants in the NEK1 and DYNC2H1 genes.